The following is an entry in ClinVar:

NM_007294.4(BRCA1):c.5079T>C (p.Ala1693=)

Gene: BRCA1 (BRCA1 DNA repair associated; minus strand). Cytogenetic location: 17q21.31.
Variant type: single nucleotide variant.
Coding change: c.5079T>C on transcript NM_007294.4 (MANE Select); coding-DNA position 5079, T replaced by C.
Protein change: p.Ala1693=; no amino-acid change (alanine 1693 retained).
Molecular consequence: synonymous variant. On other transcripts: intron variant (2).
Genome position (GRCh38, 1-based): chr17:43,063,947, A>G on the plus strand (T>C on the coding strand, the complement: BRCA1 is on the minus strand). VCF-style: chr17-43063947-A-G. GRCh37 (hg19) VCF-style: chr17-41215964-A-G.
Other names: c.1557T>C, p.Ala519= (NM_001408483.1, NM_001408484.1, NM_001408485.1 and 5 more transcripts); c.1554T>C, p.Ala518= (NM_001408492.1, NM_001408493.1); c.1530T>C, p.Ala510= (NM_001408494.1); c.1524T>C, p.Ala508= (NM_001408495.1); c.1506T>C, p.Ala502= (NM_001408496.1, NM_001408497.1, NM_001408498.1 and 3 more transcripts); c.1503T>C, p.Ala501= (NM_001408502.1, NM_001408503.1, NM_001408504.1); c.1500T>C, p.Ala500= (NM_001408505.1); c.1443T>C, p.Ala481= (NM_001408506.1); and 73 more.
Identifiers: ClinVar variation 867623 (VCV000867623.4), dbSNP rs2051936328, ClinGen allele CA500146217.

ClinVar aggregate classification (germline): Likely benign (1 of 4 stars; one submission).

Conditions:
Hereditary cancer-predisposing syndrome. Also called: Neoplastic Syndromes, Hereditary; Tumor predisposition; Hereditary Cancer Syndrome; Hereditary neoplastic syndrome. Identifiers: Orphanet 140162, MedGen C0027672, MeSH D009386, MONDO:0015356.

Allele frequency attached by ClinVar (database versions not stated): gnomAD exomes below 0.00001.
gnomAD v4.1: 1 of 1,614,034 alleles (0.000062%); highest among the groups gnomAD compares: Non-Finnish European, 0.000085%; no homozygotes.

Submissions (2):

Color Diagnostics, LLC DBA Color Health
Classification: Likely benign for Hereditary cancer-predisposing syndrome. Last evaluated: 2025-09-18. Review status: criteria provided, single submitter. Criteria: ACMG Guidelines, 2015. Collection method: clinical testing. Allele origin: germline.

Brotman Baty Institute, University of Washington
No classification provided (evidence only). Condition: Breast-ovarian cancer, familial 1. Review status: no classification provided. Collection method: in vitro. Allele origin: not applicable. Functional consequence: functionally_normal. Not counted in ClinVar's aggregate classification.
ClinVar note: "not provided" was previously submitted as the classification for the variant. However, the classification appeared to be based only on an observation of functional data so it was converted to no classification on 2025-07-30.